The following is an entry in ClinVar:

ClinVar aggregate classification (germline): Pathogenic (1 of 4 stars; one submission).

Submission:

Athena Diagnostics
Classification: Pathogenic. Last evaluated: 2025-07-22. Review status: criteria provided, single submitter. Criteria: Athena Diagnostics Criteria. Collection method: clinical testing. Allele origin: unknown.
Comment: This variant is likely inserted in tandem within the DMD gene (PMID: 25640679) and, if so, would severely disrupt protein function. Similar duplications of exons 13-17 have not been reported in large, multi-ethnic general populations. Similar duplications of exons 13-17 have been identified in multiple individuals with a dystrophinopathy.

Literature cited by the submitters: PubMed 32194622; PubMed 26968818; PubMed 15655674; PubMed 29973226; PubMed 39565433.

Single allele

Gene: DMD (dystrophin; minus strand). Cytogenetic location: Xp21.1.
Variant type: Duplication.
Identifiers: ClinVar variation 4682489 (VCV004682489.1).